The following is an entry in ClinVar:

ClinVar aggregate classification (germline): Uncertain significance (1 of 4 stars; one submission).

Submission:

GeneDx
Classification: Uncertain significance. Last evaluated: 2025-07-13. Review status: criteria provided, single submitter. Criteria: GeneDx Variant Classification Process June 2021. Collection method: clinical testing. Allele origin: germline. Affected: yes.
Comment: Not observed at significant frequency in large population cohorts (gnomAD); In silico analysis supports that this missense variant has a deleterious effect on protein structure/function; Has not been previously published as pathogenic or benign to our knowledge

NM_001349798.2(FBXW7):c.1605C>G (p.His535Gln)

Gene: FBXW7 (F-box and WD repeat domain containing 7; minus strand). Cytogenetic location: 4q31.3.
Variant type: single nucleotide variant.
Coding change: c.1605C>G on transcript NM_001349798.2 (MANE Select); coding-DNA position 1605, C replaced by G.
Protein change: p.His535Gln; replaces histidine 535 with glutamine.
Molecular consequence: missense variant.
Genome position (GRCh38, 1-based): chr4:152,326,045, G>C on the plus strand (C>G on the coding strand, the complement: FBXW7 is on the minus strand). VCF-style: chr4-152326045-G-C. GRCh37 (hg19) VCF-style: chr4-153247197-G-C.
Other names: c.1251C>G, p.His417Gln (NM_001013415.2); c.1365C>G, p.His455Gln (NM_018315.5); c.1605C>G, p.His535Gln (NM_033632.3); short protein forms H417Q, H455Q, H535Q.
Identifiers: ClinVar variation 4686334 (VCV004686334.1).